The following is an entry in ClinVar:

ClinVar aggregate classification (germline): Likely benign (0 of 4 stars; one submission).

Conditions:
FDFT1-related disorder. Also called: FDFT1-related condition.

Submission:

PreventionGenetics, part of Exact Sciences
Classification: Likely benign for FDFT1-related condition. Last evaluated: 2022-12-20. Review status: no assertion criteria provided. Collection method: clinical testing. Allele origin: germline.
Comment: This variant is classified as likely benign based on ACMG/AMP sequence variant interpretation guidelines (Richards et al. 2015 PMID: 25741868, with internal and published modifications).

NM_004462.5(FDFT1):c.880-21dup

Gene: FDFT1 (farnesyl-diphosphate farnesyltransferase 1). Cytogenetic location: 8p23.1.
Variant type: Duplication.
Coding change: c.880-21dup on transcript NM_004462.5 (MANE Select); 21 bases into the intron before coding-DNA position 880, one base duplicated.
Molecular consequence: intron variant.
Genome position: GRCh38 VCF-style: chr8-11831494-T-TC. GRCh37 (hg19) VCF-style: chr8-11689003-T-TC.
Other names: c.880-21dup (NM_001287742.2, NM_001287743.2); c.688-21dup (NM_001287744.2, NM_001287745.2, NM_001287747.2 and 2 more transcripts); c.379-21dup (NM_001287756.2); c.1057-21dup (NM_001287750.2); c.625-21dup (NM_001287751.2).
Identifiers: ClinVar variation 3054470 (VCV003054470.2), dbSNP rs748783500, ClinGen allele CA4632060.